The following is an entry in ClinVar:

ClinVar aggregate classification (germline): Uncertain significance (1 of 4 stars; one submission).

Conditions:
Familial adenomatous polyposis 1 (FAP1). Also called: FAMILIAL ADENOMATOUS POLYPOSIS 1, ATTENUATED; POLYPOSIS, ADENOMATOUS INTESTINAL. Identifiers: MedGen C2713442, MONDO:0021056, OMIM 175100. Disease mechanism: loss of function.

Submission:

Labcorp Genetics (formerly Invitae), Labcorp
Classification: Uncertain significance for Familial adenomatous polyposis 1. Last evaluated: 2023-03-20. Review status: criteria provided, single submitter. Criteria: Invitae Variant Classification Sherloc (09022015). Collection method: clinical testing. Allele origin: germline.
Comment: This sequence change replaces glycine, which is neutral and non-polar, with aspartic acid, which is acidic and polar, at codon 2370 of the APC protein (p.Gly2370Asp). This variant is not present in population databases (gnomAD no frequency). This variant has not been reported in the literature in individuals affected with APC-related conditions. Advanced modeling of protein sequence and biophysical properties (such as structural, functional, and spatial information, amino acid conservation, physicochemical variation, residue mobility, and thermodynamic stability) performed at Invitae indicates that this missense variant is not expected to disrupt APC protein function. In summary, the available evidence is currently insufficient to determine the role of this variant in disease. Therefore, it has been classified as a Variant of Uncertain Significance.

NM_000038.6(APC):c.7109G>A (p.Gly2370Asp)

Gene: APC (APC regulator of Wnt signaling pathway; plus strand). Cytogenetic location: 5q22.2.
Variant type: single nucleotide variant.
Coding change: c.7109G>A on transcript NM_000038.6 (MANE Select); coding-DNA position 7109, G replaced by A.
Protein change: p.Gly2370Asp; replaces glycine 2370 with aspartic acid.
Molecular consequence: missense variant. On other transcripts: non-coding transcript variant (2).
Genome position (GRCh38, 1-based): chr5:112,842,703, G>A. VCF-style: chr5-112842703-G-A. GRCh37 (hg19) VCF-style: chr5-112178400-G-A.
Other names: c.7109G>A, p.Gly2370Asp (NM_001127510.3, NM_001354895.2, NM_001407450.1); c.7055G>A, p.Gly2352Asp (NM_001127511.3); c.7163G>A, p.Gly2388Asp (NM_001354896.2, NM_001407447.1, NM_001407448.1 and 1 more transcripts); c.7139G>A, p.Gly2380Asp (NM_001354897.2); c.7034G>A, p.Gly2345Asp (NM_001354898.2); c.7025G>A, p.Gly2342Asp (NM_001354899.2); c.6986G>A, p.Gly2329Asp (NM_001354900.2); c.6932G>A, p.Gly2311Asp (NM_001354901.2, NM_001407453.1); and 11 more; short protein forms G2287D, G2342D, G2370D, G2398D, G1986D, G2087D, G2210D, G2269D.
Identifiers: ClinVar variation 2907983 (VCV002907983.3), dbSNP rs140079759, ClinGen allele CA16036812.